The following is an entry in ClinVar:

ClinVar aggregate classification (germline): Pathogenic (1 of 4 stars; one submission).

gnomAD v4.1: 2 of 1,546,312 alleles (0.00013%); highest among the groups gnomAD compares: African/African-American, 0.0014%; no homozygotes.

Submission:

GeneDx
Classification: Pathogenic. Last evaluated: 2023-12-16. Review status: criteria provided, single submitter. Criteria: GeneDx Variant Classification Process June 2021. Collection method: clinical testing. Allele origin: germline. Affected: yes.
Comment: Canonical splice site variant predicted to result in a null allele in a gene for which loss of function is a known mechanism of disease; Not observed in large population cohorts (gnomAD); Identified de novo in an individual with autism spectrum disorder in published literature (PMID: 30564305); This variant is associated with the following publications: (PMID: 33004838, 30564305)

NM_057175.5(NAA15):c.1540-1G>A

Gene: NAA15 (N-alpha-acetyltransferase 15, NatA auxiliary subunit; plus strand). Cytogenetic location: 4q31.1.
Variant type: single nucleotide variant.
Coding change: c.1540-1G>A on transcript NM_057175.5 (MANE Select); the canonical splice acceptor site of the intron before coding-DNA position 1540, G replaced by A.
Molecular consequence: splice acceptor variant.
Genome position (GRCh38, 1-based): chr4:139,361,723, G>A. VCF-style: chr4-139361723-G-A. GRCh37 (hg19) VCF-style: chr4-140282877-G-A.
Other names: c.1540-1G>A (NM_001410842.1).
Identifiers: ClinVar variation 3340636 (VCV003340636.1).